The following is an entry in ClinVar:

NM_005263.5(GFI1):c.713A>G (p.Lys238Arg)

Gene: GFI1 (growth factor independent 1 transcriptional repressor; minus strand). Cytogenetic location: 1p22.1.
Variant type: single nucleotide variant.
Coding change: c.713A>G on transcript NM_005263.5 (MANE Select); coding-DNA position 713, A replaced by G.
Protein change: p.Lys238Arg; replaces lysine 238 with arginine.
Molecular consequence: missense variant.
Genome position (GRCh38, 1-based): chr1:92,480,674, T>C on the plus strand (A>G on the coding strand, the complement: GFI1 is on the minus strand). VCF-style: chr1-92480674-T-C. GRCh37 (hg19) VCF-style: chr1-92946231-T-C.
Other names: c.713A>G, p.Lys238Arg (NM_001127215.3, NM_001127216.3); c.713A>G (NM_005263.3); short protein forms K238R.
Identifiers: ClinVar variation 1508738 (VCV001508738.7), dbSNP rs757156744, ClinGen allele CA951335.
Genomic context (GRCh38, chr1:92,480,674, plus strand): 5'-ATGCACTTGTAGGAGCCGCCGCCCAGCAGCAGGCGGGTGCACAGCAGCTCCGACTCCACC[T>C]TGACGCCAGCGCCCTTGTCTGCGTGCAGCCCGTGGCCACGCTCGGGGTACAGCAAGCCCG-3'
Protein context (NP_005254.2, residues 228-248): GLHADKGAGV[Lys238Arg]VESELLCTRL

ClinVar aggregate classification (germline): Uncertain significance. Review status: criteria provided, multiple submitters, no conflicts (2 of 4 stars). 2 submissions from 2 submitters: Uncertain significance (2). Last evaluated 2026-08-10.

Conditions:
Neutropenia, severe congenital, 2, autosomal dominant. Identifiers: Orphanet 486, MedGen C2751288, MONDO:0013139, OMIM 613107.

Allele frequency attached by ClinVar (database versions not stated): gnomAD exomes 0.00003 and 0.00001; gnomAD 0.00004; ExAC 0.00001; TOPMed 0.00010.
gnomAD v4.1: 13 of 1,596,270 alleles (0.00081%); highest among the groups gnomAD compares: Admixed American, 0.018%; no homozygotes.

Submissions (2):

Ambry Genetics
Classification: Uncertain significance. Last evaluated: 2026-08-10. Review status: criteria provided, single submitter. Criteria: Ambry Variant Classification Scheme 2023. Collection method: clinical testing. Allele origin: germline.
Comment: The p.K238R variant (also known as c.713A>G), located in coding exon 3 of the GFI1 gene, results from an A to G substitution at nucleotide position 713. The lysine at codon 238 is replaced by arginine, an amino acid with highly similar properties. This amino acid position is conserved. In addition, this alteration is predicted to be tolerated by in silico analysis. Based on the available evidence, the clinical significance of this variant remains unclear.

Labcorp Genetics (formerly Invitae), Labcorp
Classification: Uncertain significance for Neutropenia, severe congenital, 2, autosomal dominant. Last evaluated: 2022-02-10. Review status: criteria provided, single submitter. Criteria: Invitae Variant Classification Sherloc (09022015). Collection method: clinical testing. Allele origin: germline.
Comment: This sequence change replaces lysine, which is basic and polar, with arginine, which is basic and polar, at codon 238 of the GFI1 protein (p.Lys238Arg). This variant is present in population databases (rs757156744, gnomAD 0.01%). This variant has not been reported in the literature in individuals affected with GFI1-related conditions. Algorithms developed to predict the effect of missense changes on protein structure and function (SIFT, PolyPhen-2, Align-GVGD) all suggest that this variant is likely to be tolerated. In summary, the available evidence is currently insufficient to determine the role of this variant in disease. Therefore, it has been classified as a Variant of Uncertain Significance.